The following is an entry in ClinVar:

NM_000536.4(RAG2):c.*227T>C

Gene: RAG2 (recombination activating 2; minus strand). Cytogenetic location: 11p12.
Variant type: single nucleotide variant.
Coding change: c.*227T>C on transcript NM_000536.4 (MANE Select); 227 bases downstream of the stop codon, T replaced by C.
Molecular consequence: 3 prime UTR variant.
Genome position (GRCh38, 1-based): chr11:36,592,358, A>G on the plus strand (T>C on the coding strand, the complement: RAG2 is on the minus strand). VCF-style: chr11-36592358-A-G. GRCh37 (hg19) VCF-style: chr11-36613908-A-G.
Other names: c.*227T>C (NM_001243785.2, NM_001243786.2).
Identifiers: ClinVar variation 304543 (VCV000304543.5), dbSNP rs113343318, ClinGen allele CA10634825.

ClinVar aggregate classification (germline): Likely benign. Review status: criteria provided, single submitter (1 of 4 stars). 2 submissions from 1 submitter: Likely benign (2). Last evaluated 2018-01-12.

Conditions:
Severe combined immunodeficiency, autosomal recessive, T cell-negative, B cell-negative, NK cell-positive. Also called: SCID, T CELL-NEGATIVE, B CELL-NEGATIVE, NK CELL-POSITIVE; SCID, AR, T-cell negative, B-cell negative, NK cell-positive; Severe combined immunodeficiency due to complete RAG1/2 deficiency. Identifiers: Orphanet 331206, MedGen C1832322, MONDO:0011086, OMIM 601457.
Histiocytic medullary reticulosis. Also called: SEVERE COMBINED IMMUNODEFICIENCY WITH HYPEREOSINOPHILIA; Omenn syndrome. Identifiers: Orphanet 39041, MedGen C2700553, MONDO:0011338, OMIM 603554.

Allele frequency attached by ClinVar (database versions not stated): gnomAD exomes 0.00058; gnomAD 0.00312 and 0.00331; TOPMed 0.00343; 1000 Genomes Project 0.00359; 1000 Genomes Project 30x 0.00406.

Submissions (2):

Illumina Laboratory Services, Illumina
Classification: Likely benign for Histiocytic medullary reticulosis. Last evaluated: 2018-01-12. Review status: criteria provided, single submitter. Criteria: ICSL Variant Classification Criteria 13 December 2019. Collection method: clinical testing. Allele origin: germline.
Comment: This variant was observed in the ICSL laboratory as part of a predisposition screen in an ostensibly healthy population. It had not been previously curated by ICSL or reported in the Human Gene Mutation Database (HGMD: prior to June 1st, 2018), and was therefore a candidate for classification through an automated scoring system. Utilizing variant allele frequency, disease prevalence and penetrance estimates, and inheritance mode, an automated score was calculated to assess if this variant is too frequent to cause the disease. Based on the score and internal cut-off values, a variant classified as likely benign is not then subjected to further curation. The score for this variant resulted in a classification of likely benign for this disease.

Illumina Laboratory Services, Illumina
Classification: Likely benign for Severe combined immunodeficiency, autosomal recessive, T cell-negative, B cell-negative, NK cell-positive. Last evaluated: 2018-01-12. Review status: criteria provided, single submitter. Criteria: ICSL Variant Classification Criteria 13 December 2019. Collection method: clinical testing. Allele origin: germline.
Comment: the same text as in the submission from Illumina Laboratory Services, Illumina above.